The following is an entry in ClinVar:

ClinVar aggregate classification (germline): Uncertain significance. Review status: criteria provided, multiple submitters, no conflicts (2 of 4 stars). 2 submissions from 2 submitters: Uncertain significance (2). Last evaluated 2023-12-06.

Conditions:
Hereditary cancer-predisposing syndrome. Also called: Neoplastic Syndromes, Hereditary; Tumor predisposition; Hereditary neoplastic syndrome; Hereditary Cancer Syndrome. Identifiers: Orphanet 140162, MedGen C0027672, MeSH D009386, MONDO:0015356.
Hereditary nonpolyposis colorectal neoplasms. Identifiers: MedGen C0009405, MeSH D003123.

Submissions (2):

Labcorp Genetics (formerly Invitae), Labcorp
Classification: Uncertain significance for Hereditary nonpolyposis colorectal neoplasms. Last evaluated: 2023-12-06. Review status: criteria provided, single submitter. Criteria: Invitae Variant Classification Sherloc (09022015). Collection method: clinical testing. Allele origin: germline.
Comment: This sequence change replaces threonine, which is neutral and polar, with lysine, which is basic and polar, at codon 285 of the PMS2 protein (p.Thr285Lys). This variant is not present in population databases (gnomAD no frequency). This variant has not been reported in the literature in individuals affected with PMS2-related conditions. ClinVar contains an entry for this variant (Variation ID: 662352). Advanced modeling of protein sequence and biophysical properties (such as structural, functional, and spatial information, amino acid conservation, physicochemical variation, residue mobility, and thermodynamic stability) has been performed at Invitae for this missense variant, however the output from this modeling did not meet the statistical confidence thresholds required to predict the impact of this variant on PMS2 protein function. In summary, the available evidence is currently insufficient to determine the role of this variant in disease. Therefore, it has been classified as a Variant of Uncertain Significance.

Ambry Genetics
Classification: Uncertain significance for Hereditary cancer-predisposing syndrome. Last evaluated: 2023-07-27. Review status: criteria provided, single submitter. Criteria: Ambry Variant Classification Scheme 2023. Collection method: clinical testing. Allele origin: germline.
Comment: The p.T285K variant (also known as c.854C>A), located in coding exon 8 of the PMS2 gene, results from a C to A substitution at nucleotide position 854. The threonine at codon 285 is replaced by lysine, an amino acid with similar properties. This amino acid position is conserved. In addition, the in silico prediction for this alteration is inconclusive. Since supporting evidence is limited at this time, the clinical significance of this alteration remains unclear.

NM_000535.7(PMS2):c.854C>A (p.Thr285Lys)

Gene: PMS2 (PMS1 homolog 2, mismatch repair system component; minus strand). Cytogenetic location: 7p22.1.
Variant type: single nucleotide variant.
Coding change: c.854C>A on transcript NM_000535.7 (MANE Select); coding-DNA position 854, C replaced by A.
Protein change: p.Thr285Lys; replaces threonine 285 with lysine.
Molecular consequence: missense variant. On other transcripts: 5 prime UTR variant (2), non-coding transcript variant (1).
Genome position (GRCh38, 1-based): chr7:5,995,583, G>T on the plus strand (C>A on the coding strand, the complement: PMS2 is on the minus strand). VCF-style: chr7-5995583-G-T. GRCh37 (hg19) VCF-style: chr7-6035214-G-T.
Other names: c.449C>A, p.Thr150Lys (NM_001322003.2, NM_001322004.2, NM_001322005.2 and 2 more transcripts); c.854C>A, p.Thr285Lys (NM_001322006.2, NM_001322014.2); c.536C>A, p.Thr179Lys (NM_001322007.2, NM_001322008.2); c.-80C>A (NM_001322011.2, NM_001322012.2); c.281C>A, p.Thr94Lys (NM_001322013.2); c.545C>A, p.Thr182Lys (NM_001322015.2); short protein forms T182K, T285K, T94K, T179K, T150K.
Identifiers: ClinVar variation 662352 (VCV000662352.10), dbSNP rs1583364029, ClinGen allele CA366743487.
Genomic context (GRCh38, chr7:5,995,583, plus strand): 5'-ATTTTAAATACCTTTGCTGGGTCACAAGGCCGCCGGTTGATAAAGAAAAACTGTCTGTCT[G>T]TTGAACTCCTTCCAACTCCATGCGTGCATTGTGAAATGAAACCTGAGATGCTATTCAACA-3'
Protein context (NP_000526.2, residues 275-295): QCTHGVGRSS[Thr285Lys]DRQFFFINRR